The following is an entry in ClinVar:

NM_000154.2(GALK1):c.1107+1G>A

Gene: GALK1 (galactokinase 1; minus strand). Cytogenetic location: 17q25.1.
Variant type: single nucleotide variant.
Coding change: c.1107+1G>A on transcript NM_000154.2 (MANE Select); the canonical splice donor site of the intron after coding-DNA position 1107, G replaced by A.
Molecular consequence: splice donor variant.
Genome position (GRCh38, 1-based): chr17:75,758,209, C>T on the plus strand (G>A on the coding strand, the complement: GALK1 is on the minus strand). VCF-style: chr17-75758209-C-T. GRCh37 (hg19) VCF-style: chr17-73754290-C-T.
Other names: c.1107+1G>A (NM_001381985.1).
Identifiers: ClinVar variation 1380137 (VCV001380137.8), dbSNP rs2143585254, ClinGen allele CA401098245.
Genomic context (GRCh38, chr17:75,758,209, plus strand): 5'-TGAGTGGCAGGGCCCCGGGAAGCTGCCGCTCCTGCCCGCCCAGGCCCTGGTGCCCGCCCA[C>T]CTGGATGTGCCGCATGGCGTGGGGAGCAGCGGAGGCCTCCAGCAGTGTCACCGTGCAGCC-3'

ClinVar aggregate classification (germline): Pathogenic (1 of 4 stars; one submission).

Conditions:
Deficiency of galactokinase. Also called: GALACTOSEMIA II; Galactokinase deficiency with cataracts. Identifiers: Orphanet 352, Orphanet 79237, MedGen C0268155, MONDO:0009255, OMIM 230200.

Submission:

Labcorp Genetics (formerly Invitae), Labcorp
Classification: Pathogenic for Deficiency of galactokinase. Last evaluated: 2020-10-31. Review status: criteria provided, single submitter. Criteria: Invitae Variant Classification Sherloc (09022015). Collection method: clinical testing. Allele origin: germline.
Comment: For these reasons, this variant has been classified as Pathogenic. This variant disrupts the C-terminus of the GALK1 protein. Other variant(s) that disrupt this region (p.Gln832*) have been determined to be pathogenic (PMID: 10790206). This suggests that variants that disrupt this region of the protein are likely to be causative of disease. Nucleotide substitutions within the consensus splice site are a relatively common cause of aberrant splicing (PMID: 17576681, 9536098). Algorithms developed to predict the effect of sequence changes on RNA splicing suggest that this variant may disrupt the consensus splice site, but this prediction has not been confirmed by published transcriptional studies. This variant has not been reported in the literature in individuals with GALK1-related conditions. This variant is not present in population databases (ExAC no frequency). This sequence change affects a donor splice site in intron 7 of the GALK1 gene. While this variant is not anticipated to result in nonsense mediated decay, it likely alters RNA splicing and results in a disrupted protein product.

Literature cited by the submitters: PubMed 10790206; PubMed 17576681; PubMed 9536098.